The following is an entry in ClinVar:

ClinVar aggregate classification (germline): Uncertain significance. Review status: criteria provided, multiple submitters, no conflicts (2 of 4 stars). 3 submissions from 3 submitters: Uncertain significance (3). Last evaluated 2023-10-18.

Conditions:
Hereditary cancer-predisposing syndrome. Also called: Neoplastic Syndromes, Hereditary; Tumor predisposition; Hereditary Cancer Syndrome; Hereditary neoplastic syndrome. Identifiers: Orphanet 140162, MedGen C0027672, MeSH D009386, MONDO:0015356.
Hereditary breast ovarian cancer syndrome. Also called: BRCA1- and BRCA2-Associated Hereditary Breast and Ovarian Cancer; Hereditary breast and ovarian cancer syndrome; Hereditary breast and ovarian cancer; Hereditary breast and ovarian cancer syndrome (HBOC); Breast and ovarian cancer; Hereditary breast and/or ovarian cancer syndrome. Identifiers: Orphanet 145, MedGen C0677776, MeSH D061325, MONDO:0003582. Disease mechanism: loss of function.

Submissions (3):

GeneDx
Classification: Uncertain significance. Last evaluated: 2023-10-18. Review status: criteria provided, single submitter. Criteria: GeneDx Variant Classification Process June 2021. Collection method: clinical testing. Allele origin: germline. Affected: yes.
Comment: Observed in individuals without a known personal or family history of breast cancer (Dong et al., 2021); Not observed at significant frequency in large population cohorts (gnomAD); In silico analysis supports that this missense variant does not alter protein structure/function; Also known as 9787A>G; This variant is associated with the following publications: (PMID: 29884841, 32377563, 32467295)

Labcorp Genetics (formerly Invitae), Labcorp
Classification: Uncertain significance for Hereditary breast ovarian cancer syndrome. Last evaluated: 2021-10-16. Review status: criteria provided, single submitter. Criteria: Invitae Variant Classification Sherloc (09022015). Collection method: clinical testing. Allele origin: germline.
Comment: This sequence change replaces asparagine with aspartic acid at codon 3187 of the BRCA2 protein (p.Asn3187Asp). The asparagine residue is weakly conserved and there is a small physicochemical difference between asparagine and aspartic acid. This variant is not present in population databases (ExAC no frequency). This variant has not been reported in the literature in individuals affected with BRCA2-related conditions. ClinVar contains an entry for this variant (Variation ID: 231588). Advanced modeling of protein sequence and biophysical properties (such as structural, functional, and spatial information, amino acid conservation, physicochemical variation, residue mobility, and thermodynamic stability) performed at Invitae indicates that this missense variant is not expected to disrupt BRCA2 protein function. Algorithms developed to predict the effect of sequence changes on RNA splicing suggest that this variant may create or strengthen a splice site. In summary, the available evidence is currently insufficient to determine the role of this variant in disease. Therefore, it has been classified as a Variant of Uncertain Significance.

Ambry Genetics
Classification: Uncertain significance for Hereditary cancer-predisposing syndrome. Last evaluated: 2015-04-30. Review status: criteria provided, single submitter. Criteria: Ambry Variant Classification Scheme 2023. Collection method: clinical testing. Allele origin: germline.
Comment: The p.N3187D variant (also known as c.9559A>G and 9787A>G), located in coding exon 25 of the BRCA2 gene, results from an A to G substitution at nucleotide position 9559. The asparagine at codon 3187 is replaced by aspartic acid, an amino acid with highly similar properties. This variant was not reported in population based cohorts in the following databases: Database of Single Nucleotide Polymorphisms (dbSNP), NHLBI Exome Sequencing Project (ESP), and 1000 Genomes Project. In the ESP, this variant was not observed in 6503 samples (13006 alleles) with coverage at this position. Based on protein sequence alignment, this amino acid position is not well conserved in available vertebrate species. To date, this alteration has been detected with an allele frequency of approximately 0.001% (greater than 150000 alleles tested) in our clinical cohort. In addition, this alteration is predicted to be tolerated by in silico analysis. Since supporting evidence is limited at this time, the clinical significance of p.N3187D remains unclear.

NM_000059.4(BRCA2):c.9559A>G (p.Asn3187Asp)

Gene: BRCA2 (BRCA2 DNA repair associated; plus strand). Cytogenetic location: 13q13.1.
Variant type: single nucleotide variant.
Coding change: c.9559A>G on transcript NM_000059.4 (MANE Select); coding-DNA position 9559, A replaced by G.
Protein change: p.Asn3187Asp; replaces asparagine 3187 with aspartic acid.
Molecular consequence: missense variant.
Genome position (GRCh38, 1-based): chr13:32,396,955, A>G. VCF-style: chr13-32396955-A-G. GRCh37 (hg19) VCF-style: chr13-32971092-A-G.
Other names: short protein forms N3187D.
Identifiers: ClinVar variation 231588 (VCV000231588.13), dbSNP rs876659245, ClinGen allele CA10579838.
Genomic context (GRCh38, chr13:32,396,955, plus strand): 5'-TAGAATATTGACATACTTTGCAATGAAGCAGAAAACAAGCTTATGCATATACTGCATGCA[A>G]ATGATCCCAAGTGGTCCACCCCAACTAAAGACTGTACTTCAGGGCCGTACACTGCTCAAA-3'
Protein context (NP_000050.3, residues 3177-3197): ENKLMHILHA[Asn3187Asp]DPKWSTPTKD